The following is an entry in ClinVar:

GRCh37/hg19 15q11.2(chr15:22765628-23217514)x1

Genes: CYFIP1 (cytoplasmic FMR1 interacting protein 1; minus strand), NIPA1 (NIPA magnesium transporter 1; plus strand), NIPA2 (NIPA magnesium transporter 2; plus strand), TUBGCP5 (tubulin gamma complex component 5; minus strand). Cytogenetic location: 15q11.2.
Variant type: copy number loss.
Change: copy number 1 (one copy instead of two) of chr15:22,765,628-23,217,514 (451.9 kb, GRCh37 coordinates, 1-based), cytogenetic band 15q11.2.
Identifiers: ClinVar variation 666449 (VCV000666449.3).

ClinVar aggregate classification (germline): Pathogenic (1 of 4 stars; one submission).

Conditions:
Chromosome 15q11.2 deletion syndrome. Identifiers: Orphanet 261183, MedGen C3180937, MONDO:0014294, OMIM 615656.

Submission:

Centro Nacional de Genética Medica, Administración Nacional de Laboratorios e Institutos de Salud (ANLIS) “Dr. Carlos G Malbrán”
Classification: Pathogenic for Chromosome 15q11.2 deletion syndrome. Last evaluated: 2019-01-01. Review status: criteria provided, single submitter. Criteria: ACMG CNV Guidelines, 2011. Collection method: clinical testing. Allele origin: paternal. Affected: yes.